The following is an entry in ClinVar:

ClinVar aggregate classification (germline): Uncertain significance. Review status: criteria provided, multiple submitters, no conflicts (2 of 4 stars). 4 submissions from 4 submitters: Uncertain significance (4). Last evaluated 2025-12-20.

Conditions:
Hereditary cancer-predisposing syndrome. Also called: Neoplastic Syndromes, Hereditary; Hereditary neoplastic syndrome; Tumor predisposition; Hereditary Cancer Syndrome. Identifiers: Orphanet 140162, MedGen C0027672, MeSH D009386, MONDO:0015356.
Nijmegen breakage syndrome-like disorder (NBSLD). Also called: MICROCEPHALY AND SPONTANEOUS CHROMOSOME INSTABILITY WITHOUT IMMUNODEFICIENCY; NBS-LIKE DISORDER; RAD50 DEFICIENCY. Identifiers: Orphanet 240760, MedGen C2751318, MONDO:0013118, OMIM 613078.

Allele frequency attached by ClinVar (database versions not stated): gnomAD 0.00006; TOPMed 0.00006.
gnomAD v4.1: 12 of 1,613,740 alleles (0.00074%); highest among the groups gnomAD compares: African/African-American, 0.016%; no homozygotes.

Submissions (4):

Ambry Genetics
Classification: Uncertain significance for Hereditary cancer-predisposing syndrome. Last evaluated: 2025-12-20. Review status: criteria provided, single submitter. Criteria: Ambry Variant Classification Scheme 2023. Collection method: clinical testing. Allele origin: germline.
Comment: The p.R519L variant (also known as c.1556G>T), located in coding exon 10 of the RAD50 gene, results from a G to T substitution at nucleotide position 1556. The arginine at codon 519 is replaced by leucine, an amino acid with dissimilar properties. This amino acid position is highly conserved in available vertebrate species. In addition, this alteration is predicted to be deleterious by in silico analysis. Since supporting evidence is limited at this time, the clinical significance of this alteration remains unclear.

Labcorp Genetics (formerly Invitae), Labcorp
Classification: Uncertain significance for Hereditary cancer-predisposing syndrome. Last evaluated: 2025-07-21. Review status: criteria provided, single submitter. Criteria: Invitae Variant Classification Sherloc (09022015). Collection method: clinical testing. Allele origin: germline.
Comment: This sequence change replaces arginine, which is basic and polar, with leucine, which is neutral and non-polar, at codon 519 of the RAD50 protein (p.Arg519Leu). This variant is present in population databases (rs140333740, gnomAD 0.03%). This variant has not been reported in the literature in individuals affected with RAD50-related conditions. ClinVar contains an entry for this variant (Variation ID: 141230). Invitae Evidence Modeling of protein sequence and biophysical properties (such as structural, functional, and spatial information, amino acid conservation, physicochemical variation, residue mobility, and thermodynamic stability) indicates that this missense variant is expected to disrupt RAD50 protein function with a positive predictive value of 80%. In summary, the available evidence is currently insufficient to determine the role of this variant in disease. Therefore, it has been classified as a Variant of Uncertain Significance.

Women's Health and Genetics/Laboratory Corporation of America, LabCorp
Classification: Uncertain significance. Last evaluated: 2025-03-22. Review status: criteria provided, single submitter. Criteria: LabCorp Variant Classification Summary - May 2015. Collection method: clinical testing. Allele origin: germline.

Sema4
Classification: Uncertain significance for Nijmegen breakage syndrome-like disorder. Last evaluated: 2021-10-14. Review status: criteria provided, single submitter. Criteria: Sema4 Curation Guidelines. Collection method: curation. Allele origin: germline.
Comment: The RAD50 c.1556G>T (p.R519L) variant has not been reported in the literature to our knowledge. It was observed in 7/24918 chromosomes of the African/African American subpopulation in the large and broad cohorts of the Genome Aggregation Database (PMID: 32461654). The variant has been reported in ClinVar (Variation ID 141230). Functional studies have not been performed, and in silico predictions of the variant's effect on protein function are inconclusive. The evidence is insufficient to meet ACMG/AMP criteria for classifying the variant as benign or pathogenic. Thus, the clinical significance of this variant is currently uncertain.

NM_005732.4(RAD50):c.1556G>T (p.Arg519Leu)

Gene: RAD50 (RAD50 double strand break repair protein; plus strand). Cytogenetic location: 5q31.1.
Variant type: single nucleotide variant.
Coding change: c.1556G>T on transcript NM_005732.4 (MANE Select); coding-DNA position 1556, G replaced by T.
Protein change: p.Arg519Leu; replaces arginine 519 with leucine.
Molecular consequence: missense variant.
Genome position (GRCh38, 1-based): chr5:132,591,327, G>T. VCF-style: chr5-132591327-G-T. GRCh37 (hg19) VCF-style: chr5-131927019-G-T.
Other names: short protein forms R519L.
Identifiers: ClinVar variation 141230 (VCV000141230.17), dbSNP rs140333740, ClinGen allele CA333200.